The following is an entry in ClinVar:

ClinVar aggregate classification (germline): Likely benign (1 of 4 stars; one submission).

Allele frequency attached by ClinVar (database versions not stated): TOPMed below 0.00001; gnomAD 0.00001.

Submission:

CeGaT Center for Human Genetics Tuebingen
Classification: Likely benign. Last evaluated: 2022-11-01. Review status: criteria provided, single submitter. Criteria: CeGaT Center For Human Genetics Tuebingen Variant Classification Criteria Version 2. Collection method: clinical testing. Allele origin: germline. Affected: yes. Observed: 1 variant allele.
Comment: SHANK3: BP4, BP7

NM_001372044.2(SHANK3):c.5325C>T (p.Pro1775=)

Gene: SHANK3 (SH3 and multiple ankyrin repeat domains 3; plus strand). Cytogenetic location: 22q13.33.
Variant type: single nucleotide variant.
Coding change: c.5325C>T on transcript NM_001372044.2 (MANE Select); coding-DNA position 5325, C replaced by T.
Protein change: p.Pro1775=; no amino-acid change (proline 1775 retained).
Molecular consequence: synonymous variant.
Genome position (GRCh38, 1-based): chr22:50,731,216, C>T. VCF-style: chr22-50731216-C-T. GRCh37 (hg19) VCF-style: chr22-51169644-C-T.
Other names: c.5100C>T, p.Pro1700= (NM_033517.1).
Identifiers: ClinVar variation 2653433 (VCV002653433.24), dbSNP rs1289439406, ClinGen allele CA515267969.